The following is an entry in ClinVar:

ClinVar aggregate classification (germline): Benign/Likely benign. Review status: criteria provided, multiple submitters, no conflicts (2 of 4 stars). 15 submissions from 14 submitters: Benign (7); Likely benign (5). 3 of the submissions do not count toward it. Last evaluated 2026-07-01.

Conditions:
Inborn genetic diseases. Identifiers: MedGen C0950123, MeSH D030342.
Autosomal dominant centronuclear myopathy. Also called: MYOTUBULAR MYOPATHY, AUTOSOMAL DOMINANT; Myopathy, centronuclear, 3. Identifiers: Orphanet 169189, MedGen C4551952, MeSH D020914, MONDO:0008048, OMIM 160150.
Charcot-Marie-Tooth disease dominant intermediate B (CMTDIB). Also called: CHARCOT-MARIE-TOOTH NEUROPATHY, DOMINANT INTERMEDIATE B; Charcot-Marie-Tooth disease dominant intermediate 1; CMT DI1; Charcot-Marie-Tooth disease dominant intermediate I. Identifiers: Orphanet 100044, Orphanet 228179, MedGen C1847902, MONDO:0011674, OMIM 606482.

Allele frequency attached by ClinVar (database versions not stated): gnomAD 0.00149 and 0.00141; ESP Exome Variant Server 0.00161; gnomAD exomes 0.00265 and 0.00144; 1000 Genomes Project 30x 0.00047; 1000 Genomes Project 0.00060; ExAC 0.00118; TOPMed 0.00138.
gnomAD v4.1: 4,036 of 1,614,110 alleles (0.25%); highest among the groups gnomAD compares: Non-Finnish European, 0.32%; 13 homozygotes.

Submissions (15):

CeGaT Center for Human Genetics Tuebingen
Classification: Likely benign. Last evaluated: 2026-07-01. Review status: criteria provided, single submitter. Criteria: CeGaT Center For Human Genetics Tuebingen Variant Classification Criteria Version 2. Collection method: clinical testing. Allele origin: germline. Affected: yes. Observed: 13 variant alleles.
Comment: DNM2: BP4, BP7, BS2

Labcorp Genetics (formerly Invitae), Labcorp
Classification: Benign for Charcot-Marie-Tooth disease dominant intermediate B. Last evaluated: 2026-02-03. Review status: criteria provided, single submitter. Criteria: Invitae Variant Classification Sherloc (09022015). Collection method: clinical testing. Allele origin: germline.

Blueprint Genetics
Classification: Likely benign. Last evaluated: 2024-11-04. Review status: criteria provided, single submitter. Criteria: ACMG Guidelines, 2015. Collection method: clinical testing. Allele origin: germline.

Athena Diagnostics
Classification: Benign. Last evaluated: 2024-09-30. Review status: criteria provided, single submitter. Criteria: Athena Diagnostics Criteria. Collection method: clinical testing. Allele origin: unknown.

Mayo Clinic Laboratories, Mayo Clinic
Classification: Benign. Last evaluated: 2023-08-18. Review status: criteria provided, single submitter. Criteria: ACMG Guidelines, 2015. Collection method: clinical testing. Allele origin: germline. Observed: 11 variant alleles.
Comment: BS1, BS2, BP4, BP7

Ambry Genetics
Classification: Likely benign for Inborn genetic diseases. Last evaluated: 2019-07-11. Review status: criteria provided, single submitter. Criteria: Ambry Variant Classification Scheme 2023. Collection method: clinical testing. Allele origin: germline.

ARUP Laboratories, Molecular Genetics and Genomics, ARUP Laboratories
Classification: Benign. Last evaluated: 2018-06-11. Review status: criteria provided, single submitter. Criteria: ARUP Molecular Germline Variant Investigation Process. Collection method: clinical testing. Allele origin: germline.

Illumina Laboratory Services, Illumina
Classification: Benign for Charcot-Marie-Tooth disease dominant intermediate B. Last evaluated: 2018-01-13. Review status: criteria provided, single submitter. Criteria: ICSL Variant Classification Criteria 13 December 2019. Collection method: clinical testing. Allele origin: germline.
Comment: This variant was observed in the ICSL laboratory as part of a predisposition screen in an ostensibly healthy population. It had not been previously curated by ICSL or reported in the Human Gene Mutation Database (HGMD: prior to June 1st, 2018), and was therefore a candidate for classification through an automated scoring system. Utilizing variant allele frequency, disease prevalence and penetrance estimates, and inheritance mode, an automated score was calculated to assess if this variant is too frequent to cause the disease. Based on the score and internal cut-off values, a variant classified as benign is not then subjected to further curation. The score for this variant resulted in a classification of benign for this disease.

Illumina Laboratory Services, Illumina
Classification: Benign for Autosomal dominant centronuclear myopathy. Last evaluated: 2018-01-13. Review status: criteria provided, single submitter. Criteria: ICSL Variant Classification Criteria 13 December 2019. Collection method: clinical testing. Allele origin: germline.
Comment: the same text as in the submission from Illumina Laboratory Services, Illumina above.

GeneDx
Classification: Benign. Last evaluated: 2015-04-16. Review status: criteria provided, single submitter. Criteria: GeneDx Variant Classification (06012015). Collection method: clinical testing. Allele origin: germline. Affected: yes.
Comment: This variant is considered likely benign or benign based on one or more of the following criteria: it is a conservative change, it occurs at a poorly conserved position in the protein, it is predicted to be benign by multiple in silico algorithms, and/or has population frequency not consistent with disease.

Eurofins Ntd Llc (ga)
Classification: Likely benign. Last evaluated: 2015-03-16. Review status: criteria provided, single submitter. Criteria: EGL Classification Definitions 2015. Collection method: clinical testing. Allele origin: germline. Observed: 1 variant allele, 1 heterozygote.

Genetic Services Laboratory, University of Chicago
Classification: Likely benign. Last evaluated: 2013-02-08. Review status: criteria provided, single submitter. Criteria: ACMG Guidelines, 2007. Collection method: clinical testing. Allele origin: germline. Inheritance: Autosomal dominant inheritance.

Clinical Genetics, Academic Medical Center
Classification: Benign. Review status: no assertion criteria provided. Collection method: clinical testing. Allele origin: germline. Affected: yes. Study: VKGL Data-share Consensus. Not counted in ClinVar's aggregate classification.

Genome Diagnostics Laboratory, University Medical Center Utrecht
Classification: Likely benign. Review status: no assertion criteria provided. Collection method: clinical testing. Allele origin: germline. Affected: yes. Study: VKGL Data-share Consensus. Not counted in ClinVar's aggregate classification.

Joint Genome Diagnostic Labs from Nijmegen and Maastricht, Radboudumc and MUMC+
Classification: Likely benign. Review status: no assertion criteria provided. Collection method: clinical testing. Allele origin: germline. Affected: yes. Study: VKGL Data-share Consensus. Not counted in ClinVar's aggregate classification.

NM_001005361.3(DNM2):c.1902C>T (p.Asn634=)

Gene: DNM2 (dynamin 2; plus strand). Cytogenetic location: 19p13.2.
Variant type: single nucleotide variant.
Coding change: c.1902C>T on transcript NM_001005361.3 (MANE Select); coding-DNA position 1902, C replaced by T.
Protein change: p.Asn634=; no amino-acid change (asparagine 634 retained).
Molecular consequence: synonymous variant.
Genome position (GRCh38, 1-based): chr19:10,825,065, C>T. VCF-style: chr19-10825065-C-T. GRCh37 (hg19) VCF-style: chr19-10935741-C-T.
Other names: p.Asn634=; c.1902C>T, p.Asn634= (NM_001005360.3, NM_001190716.2); c.1890C>T, p.Asn630= (NM_001005362.3, NM_004945.4).
Identifiers: ClinVar variation 158521 (VCV000158521.70), dbSNP rs2229919, ClinGen allele CA172116.